The following is an entry in ClinVar:

NM_000540.3(RYR1):c.10938-6del

Gene: RYR1 (ryanodine receptor 1; plus strand). Cytogenetic location: 19q13.2.
Variant type: Deletion.
Coding change: c.10938-6del on transcript NM_000540.3 (MANE Select); 6 bases into the intron before coding-DNA position 10938, one base deleted (C; older notation c.10938-6delC).
Molecular consequence: intron variant.
Genome position (GRCh38, 1-based): chr19:38,528,593, C deleted; the last of 4 consecutive C bases (chr19:38,528,590-38,528,593); deleting any one gives the same sequence. VCF-style (leftmost placement, unchanged base first): chr19-38528589-TC-T. GRCh37 (hg19) VCF-style: chr19-39019229-TC-T.
Other names: c.10923-6del (NM_001042723.2).
Identifiers: ClinVar variation 2917095 (VCV002917095.5), dbSNP rs2514496791, ClinGen allele CA2576771765.

ClinVar aggregate classification (germline): Conflicting classifications of pathogenicity. Review status: criteria provided, conflicting classifications (1 of 4 stars). 3 submissions from 3 submitters: Uncertain significance (2); Benign (1). Last evaluated 2025-09-04.

Conditions:
RYR1-related disorder. Also called: RYR1-related disorders; RYR1-related condition. Identifiers: MedGen CN239331.
Malignant hyperthermia, susceptibility to, 1 (MHS1). Also called: Malignant hyperthermia suceptibility 1; Anesthesia related hyperthermia; Malignant hyperpyrexia; Fulminating hyperpyrexia; Pharmacogenic myopathy; RYR1-Related Malignant Hyperthermia Susceptibility. Identifiers: Orphanet 423, MedGen C2930980, MONDO:0007783, OMIM 145600.

Submissions (3):

Color Diagnostics, LLC DBA Color Health
Classification: Uncertain significance for Malignant hyperthermia, susceptibility to, 1. Last evaluated: 2025-09-04. Review status: criteria provided, single submitter. Criteria: ACMG Guidelines, 2015. Collection method: clinical testing. Allele origin: germline.
Comment: This variant causes the deletion of one nucleotide in position -6 of intron 74 in the RYR1 gene. To our knowledge, functional studies have not been reported for this variant. This variant has not been reported in individuals affected with RYR1-related disorders in the literature. This variant has not been identified in the general population by the Genome Aggregation Database (gnomAD). The available evidence is insufficient to determine the role of this variant in disease conclusively. Therefore, this variant is classified as a Variant of Uncertain Significance.

All of Us Research Program, National Institutes of Health
Classification: Uncertain significance for Malignant hyperthermia, susceptibility to, 1. Last evaluated: 2023-06-08. Review status: criteria provided, single submitter. Criteria: ACMG Guidelines, 2015. Collection method: clinical testing. Allele origin: germline. Inheritance: Autosomal dominant inheritance. Observed: 1 variant allele, 1 heterozygote.
Comment: This variant causes the deletion of one nucleotide in position -6 of intron 74 in the RYR1 gene. To our knowledge, functional studies have not been reported for this variant. This variant has not been reported in individuals affected with RYR1-related disorders in the literature. This variant has not been identified in the general population by the Genome Aggregation Database (gnomAD). The available evidence is insufficient to determine the role of this variant in disease conclusively. Therefore, this variant is classified as a Variant of Uncertain Significance.

This study involves interpretation of variants in research participants for the purpose of population health screening. Participant phenotype was not available at the time of variant classification. Additional details can be found in publication PMID: 35346344, PMCID: PMC8962531

Labcorp Genetics (formerly Invitae), Labcorp
Classification: Benign for RYR1-related disorder. Last evaluated: 2022-11-25. Review status: criteria provided, single submitter. Criteria: Invitae Variant Classification Sherloc (09022015). Collection method: clinical testing. Allele origin: germline.